The following is an entry in ClinVar:

NM_004621.6(TRPC6):c.2738T>C (p.Ile913Thr)

Gene: TRPC6 (transient receptor potential cation channel subfamily C member 6; minus strand). Cytogenetic location: 11q22.1.
Variant type: single nucleotide variant.
Coding change: c.2738T>C on transcript NM_004621.6 (MANE Select); coding-DNA position 2738, T replaced by C.
Protein change: p.Ile913Thr; replaces isoleucine 913 with threonine.
Molecular consequence: missense variant.
Genome position (GRCh38, 1-based): chr11:101,453,013, A>G on the plus strand (T>C on the coding strand, the complement: TRPC6 is on the minus strand). VCF-style: chr11-101453013-A-G. GRCh37 (hg19) VCF-style: chr11-101323744-A-G.
Other names: short protein forms I913T.
Identifiers: ClinVar variation 3598779 (VCV003598779.3).

ClinVar aggregate classification (germline): Uncertain significance. Review status: criteria provided, multiple submitters, no conflicts (2 of 4 stars). 2 submissions from 2 submitters: Uncertain significance (2). Last evaluated 2024-04-19.

Conditions:
Focal segmental glomerulosclerosis 2 (FSGS2). Identifiers: Orphanet 656, MedGen C1858915, MONDO:0011390, OMIM 603965.

Submissions (2):

Fulgent Genetics
Classification: Uncertain significance for Focal segmental glomerulosclerosis 2. Last evaluated: 2024-04-19. Review status: criteria provided, single submitter. Criteria: ACMG Guidelines, 2015. Collection method: clinical testing. Allele origin: germline.

Labcorp Genetics (formerly Invitae), Labcorp
Classification: Uncertain significance. Last evaluated: 2024-02-02. Review status: criteria provided, single submitter. Criteria: Invitae Variant Classification Sherloc (09022015). Collection method: clinical testing. Allele origin: germline.
Comment: This sequence change replaces isoleucine, which is neutral and non-polar, with threonine, which is neutral and polar, at codon 913 of the TRPC6 protein (p.Ile913Thr). This variant is present in population databases (rs778713181, gnomAD 0.02%). This variant has not been reported in the literature in individuals affected with TRPC6-related conditions. An algorithm developed to predict the effect of missense changes on protein structure and function (PolyPhen-2) suggests that this variant is likely to be tolerated. In summary, the available evidence is currently insufficient to determine the role of this variant in disease. Therefore, it has been classified as a Variant of Uncertain Significance.